The following is an entry in ClinVar:

NM_000843.4(GRM6):c.1040C>A (p.Ser347Tyr)

Genes: GRM6 (glutamate metabotropic receptor 6; minus strand), ZNF454 (zinc finger protein 454; plus strand). Cytogenetic location: 5q35.3.
Variant type: single nucleotide variant.
Coding change: c.1040C>A on transcript NM_000843.4 (MANE Select); coding-DNA position 1040, C replaced by A.
Protein change: p.Ser347Tyr; replaces serine 347 with tyrosine.
Molecular consequence: missense variant.
Genome position (GRCh38, 1-based): chr5:178,989,378, G>T on the plus strand (C>A on the coding strand, the complement: GRM6 is on the minus strand). VCF-style: chr5-178989378-G-T. GRCh37 (hg19) VCF-style: chr5-178416379-G-T.
Other names: short protein forms S347Y.
Identifiers: ClinVar variation 1516869 (VCV001516869.6), dbSNP rs747581082, ClinGen allele CA362430724.

ClinVar aggregate classification (germline): Uncertain significance (1 of 4 stars; one submission).

Allele frequency attached by ClinVar (database versions not stated): gnomAD 0.00001.
gnomAD v4.1: 1 of 1,613,858 alleles (0.000062%); highest among the groups gnomAD compares: African/African-American, 0.0013%; no homozygotes.

Submission:

Labcorp Genetics (formerly Invitae), Labcorp
Classification: Uncertain significance. Last evaluated: 2024-12-02. Review status: criteria provided, single submitter. Criteria: Invitae Variant Classification Sherloc (09022015). Collection method: clinical testing. Allele origin: germline.
Comment: This sequence change replaces serine, which is neutral and polar, with tyrosine, which is neutral and polar, at codon 347 of the GRM6 protein (p.Ser347Tyr). This variant is not present in population databases (gnomAD no frequency). This variant has not been reported in the literature in individuals affected with GRM6-related conditions. ClinVar contains an entry for this variant (Variation ID: 1516869). Invitae Evidence Modeling of protein sequence and biophysical properties (such as structural, functional, and spatial information, amino acid conservation, physicochemical variation, residue mobility, and thermodynamic stability) indicates that this missense variant is not expected to disrupt GRM6 protein function with a negative predictive value of 95%. In summary, the available evidence is currently insufficient to determine the role of this variant in disease. Therefore, it has been classified as a Variant of Uncertain Significance.